The following is an entry in ClinVar:

NM_002444.3(MSN):c.495G>C (p.Lys165Asn)

Gene: MSN (moesin; plus strand). Cytogenetic location: Xq12.
Variant type: single nucleotide variant.
Coding change: c.495G>C on transcript NM_002444.3 (MANE Select); coding-DNA position 495, G replaced by C.
Protein change: p.Lys165Asn; replaces lysine 165 with asparagine.
Molecular consequence: missense variant.
Genome position (GRCh38, 1-based): chrX:65,731,134, G>C. VCF-style: chrX-65731134-G-C. GRCh37 (hg19) VCF-style: chrX-64950996-G-C.
Other names: short protein forms K165N.
Identifiers: ClinVar variation 2760134 (VCV002760134.3), dbSNP rs2523004536, ClinGen allele CA413415902.

ClinVar aggregate classification (germline): Uncertain significance (1 of 4 stars; one submission).

Submission:

Labcorp Genetics (formerly Invitae), Labcorp
Classification: Uncertain significance. Last evaluated: 2025-08-11. Review status: criteria provided, single submitter. Criteria: Invitae Variant Classification Sherloc (09022015). Collection method: clinical testing. Allele origin: germline.
Comment: This sequence change replaces lysine, which is basic and polar, with asparagine, which is neutral and polar, at codon 165 of the MSN protein (p.Lys165Asn). This variant is not present in population databases (gnomAD no frequency). This variant has not been reported in the literature in individuals affected with MSN-related conditions. ClinVar contains an entry for this variant (Variation ID: 2760134). An algorithm developed to predict the effect of missense changes on protein structure and function (PolyPhen-2) suggests that this variant is likely to be tolerated. In summary, the available evidence is currently insufficient to determine the role of this variant in disease. Therefore, it has been classified as a Variant of Uncertain Significance.